The following is an entry in ClinVar:

NM_004260.4(RECQL4):c.2415_2419del (p.Ala805_Gly806insTer)

Gene: RECQL4 (RecQ like helicase 4; minus strand). Cytogenetic location: 8q24.3.
Variant type: Microsatellite.
Coding change: c.2415_2419del on transcript NM_004260.4 (MANE Select); coding-DNA positions 2415 to 2419, 5 bases deleted (CGGGC; older notation c.2415_2419delCGGGC).
Protein change: p.Ala805_Gly806insTer.
Molecular consequence: frameshift variant.
Genome position (GRCh38, 1-based): chr8:144,513,262-144,513,266, GCCCG deleted on the plus strand (CGGGC on the coding strand, the reverse complement: RECQL4 is on the minus strand); deleting any 5 consecutive bases within chr8:144,513,262-144,513,275 gives the same sequence; the c. name uses the placement nearest the transcript's 3' end. VCF-style (leftmost placement, unchanged base first): chr8-144513261-CGCCCG-C. GRCh37 (hg19) VCF-style: chr8-145738644-CGCCCG-C.
Identifiers: ClinVar variation 843639 (VCV000843639.8), dbSNP rs1564794448, ClinGen allele CA916083031.

ClinVar aggregate classification (germline): Pathogenic/Likely pathogenic. Review status: criteria provided, multiple submitters, no conflicts (2 of 4 stars). 2 submissions from 2 submitters: Pathogenic (1); Likely pathogenic (1). Last evaluated 2025-06-28.

Conditions:
Baller-Gerold syndrome (BGS). Also called: CRANIOSYNOSTOSIS WITH RADIAL DEFECTS. Identifiers: Orphanet 1225, MedGen C0265308, MONDO:0009039, OMIM 218600.

Submissions (2):

Dasa
Classification: Likely pathogenic. Last evaluated: 2025-06-28. Review status: criteria provided, single submitter. Criteria: DASA Assertion Criteria. Collection method: clinical testing. Allele origin: germline.
Comment: NM_004260.4(RECQL4):c.2415_2419del (p.Gly806*) is a frameshift variant in RECQL4 predicted to alter the reading frame and introduce a premature termination codon and is predicted to result in an absent or altered protein product. Loss of function is an established disease mechanism for RECQL4-associated disorders. Published studies describe this variant in association with related phenotype (PMID: 12952869; PMID: 12734318). Also, this variant is rare in population databases. Based on the currently available evidence, this variant is classified as likely pathogenic.

Labcorp Genetics (formerly Invitae), Labcorp
Classification: Pathogenic for Baller-Gerold syndrome. Last evaluated: 2019-12-19. Review status: criteria provided, single submitter. Criteria: Invitae Variant Classification Sherloc (09022015). Collection method: clinical testing. Allele origin: germline.
Comment: For these reasons, this variant has been classified as Pathogenic. Loss-of-function variants in RECQL4 are known to be pathogenic (PMID: 12734318, 12952869). This variant has not been reported in the literature in individuals with RECQL4-related conditions. This variant is not present in population databases (ExAC no frequency). This sequence change creates a premature translational stop signal (p.Gly806*) in the RECQL4 gene. It is expected to result in an absent or disrupted protein product.

Literature cited by the submitters: PubMed 12952869 (cited by Dasa and Labcorp Genetics (formerly Invitae), Labcorp); PubMed 12734318 (cited by Dasa and Labcorp Genetics (formerly Invitae), Labcorp).